The following is an entry in ClinVar:

ClinVar aggregate classification (germline): Pathogenic. Review status: criteria provided, multiple submitters, no conflicts (2 of 4 stars). 2 submissions from 2 submitters: Pathogenic (2). Last evaluated 2024-02-20.

Conditions:
Congenital lipoid adrenal hyperplasia due to STAR deficency. Also called: Lipoid adrenal hyperplasia; ADRENAL HYPERPLASIA I; Congenital Lipoid Adrenal Hyperplasia; Cholesterol monooxygenase (side-chain cleaving) deficiency. Identifiers: Orphanet 418, Orphanet 90790, MedGen C0342474, MONDO:0008725, OMIM 201710.

Allele frequency attached by ClinVar (database versions not stated): gnomAD exomes below 0.00001.

Submissions (2):

Fulgent Genetics
Classification: Pathogenic for Congenital lipoid adrenal hyperplasia due to STAR deficency. Last evaluated: 2024-02-20. Review status: criteria provided, single submitter. Criteria: ACMG Guidelines, 2015. Collection method: clinical testing. Allele origin: germline.

Labcorp Genetics (formerly Invitae), Labcorp
Classification: Pathogenic. Last evaluated: 2022-01-26. Review status: criteria provided, single submitter. Criteria: Invitae Variant Classification Sherloc (09022015). Collection method: clinical testing. Allele origin: germline.
Comment: For these reasons, this variant has been classified as Pathogenic. This premature translational stop signal has been observed in individual(s) with lipoid adrenal hyperplasia (PMID: 28467518, 33227378). This variant is present in population databases (no rsID available, gnomAD 0.006%). This sequence change creates a premature translational stop signal (p.Glu136Glyfs*50) in the STAR gene. It is expected to result in an absent or disrupted protein product. Loss-of-function variants in STAR are known to be pathogenic (PMID: 8948562).

Literature cited by the submitters: PubMed 28467518 (cited by Labcorp Genetics (formerly Invitae), Labcorp); PubMed 33227378 (cited by Labcorp Genetics (formerly Invitae), Labcorp); PubMed 8948562 (cited by Labcorp Genetics (formerly Invitae), Labcorp).

NM_000349.3(STAR):c.407del (p.Glu136fs)

Gene: STAR (steroidogenic acute regulatory protein; minus strand). Cytogenetic location: 8p11.23.
Variant type: Deletion.
Coding change: c.407del on transcript NM_000349.3 (MANE Select); coding-DNA position 407, one base deleted (A; older notation c.407delA).
Protein change: p.Glu136fs; shifts the reading frame from glutamic acid 136.
Molecular consequence: frameshift variant.
Genome position (GRCh38, 1-based): chr8:38,146,347, T deleted on the plus strand (A on the coding strand, the reverse complement: STAR is on the minus strand). VCF-style (leftmost placement, unchanged base first): chr8-38146346-CT-C. GRCh37 (hg19) VCF-style: chr8-38003864-CT-C.
Other names: short protein forms E136fs.
Identifiers: ClinVar variation 2136659 (VCV002136659.5), dbSNP rs1449423249, ClinGen allele CA581430342.